The following is an entry in ClinVar:

NM_005257.6(GATA6):c.148G>T (p.Gly50Ter)

Gene: GATA6 (GATA binding protein 6; plus strand). Cytogenetic location: 18q11.2.
Variant type: single nucleotide variant.
Coding change: c.148G>T on transcript NM_005257.6 (MANE Select); coding-DNA position 148, G replaced by T.
Protein change: p.Gly50Ter; replaces glycine 50 with a stop codon.
Molecular consequence: nonsense.
Genome position (GRCh38, 1-based): chr18:22,171,292, G>T. VCF-style: chr18-22171292-G-T. GRCh37 (hg19) VCF-style: chr18-19751253-G-T.
Other names: short protein forms G50*.
Identifiers: ClinVar variation 3367079 (VCV003367079.1).

ClinVar aggregate classification (germline): Likely pathogenic (1 of 4 stars; one submission).

Conditions:
Heart defects, congenital, and other congenital anomalies. Also called: PANCREATIC HYPOPLASIA, CONGENITAL, WITH DIABETES MELLITUS AND CONGENITAL HEART DISEASE; Pancreatic hypoplasia-diabetes-congenital heart disease syndrome. Identifiers: Orphanet 2255, MedGen C2931296, MONDO:0010802, OMIM 600001.

gnomAD v4.1: 1 of 1,593,366 alleles (0.000063%); highest among the groups gnomAD compares: South Asian, 0.0011%; no homozygotes.

Submission:

Neuberg Centre For Genomic Medicine, NCGM
Classification: Likely pathogenic for Heart defects, congenital, and other congenital anomalies. Last evaluated: 2023-05-20. Review status: criteria provided, single submitter. Criteria: ACMG Guidelines, 2015. Collection method: clinical testing. Allele origin: germline. Inheritance: Autosomal dominant inheritance. Affected: yes.
Comment: The stop gained c.148G>T(p.Gly50Ter) variant in GATA6 gene has not been reported previously as a pathogenic variant nor as a benign variant, to our knowledge. The observed variant is absent in gnomAD exomes database. This variant has not been submitted to the ClinVar database. Computational evidence (MutationTaster - disease causing) predict a damaging effect on protein structure and function for this variant. The reference nucleotide change c.148G>T in GATA6 is predicted as conserved by GERP++ and PhyloP across 100 vertebrates. This variant is predicted to cause loss of normal protein function through protein truncation. Loss of function variants have been previously reported to be disease causing. For these reasons, this variant has been classified as Likely Pathogenic.